The following is an entry in ClinVar:

NM_194277.3(FRMD7):c.1537G>A (p.Ala513Thr)

Gene: FRMD7 (FERM domain containing 7; minus strand). Cytogenetic location: Xq26.2.
Variant type: single nucleotide variant.
Coding change: c.1537G>A on transcript NM_194277.3 (MANE Select); coding-DNA position 1537, G replaced by A.
Protein change: p.Ala513Thr; replaces alanine 513 with threonine.
Molecular consequence: missense variant.
Genome position (GRCh38, 1-based): chrX:132,078,480, C>T on the plus strand (G>A on the coding strand, the complement: FRMD7 is on the minus strand). VCF-style: chrX-132078480-C-T. GRCh37 (hg19) VCF-style: chrX-131212508-C-T.
Other names: c.1492G>A, p.Ala498Thr (NM_001306193.2); short protein forms A498T, A513T.
Identifiers: ClinVar variation 2111674 (VCV002111674.4), dbSNP rs2520698191, ClinGen allele CA414678870.

ClinVar aggregate classification (germline): Uncertain significance (1 of 4 stars; one submission).

Submission:

Labcorp Genetics (formerly Invitae), Labcorp
Classification: Uncertain significance. Last evaluated: 2023-02-13. Review status: criteria provided, single submitter. Criteria: Invitae Variant Classification Sherloc (09022015). Collection method: clinical testing. Allele origin: germline.
Comment: This sequence change replaces alanine, which is neutral and non-polar, with threonine, which is neutral and polar, at codon 513 of the FRMD7 protein (p.Ala513Thr). This variant is not present in population databases (gnomAD no frequency). This variant has not been reported in the literature in individuals affected with FRMD7-related conditions. Algorithms developed to predict the effect of missense changes on protein structure and function (SIFT, PolyPhen-2, Align-GVGD) all suggest that this variant is likely to be tolerated. In summary, the available evidence is currently insufficient to determine the role of this variant in disease. Therefore, it has been classified as a Variant of Uncertain Significance.